The following is an entry in ClinVar:

ClinVar aggregate classification (germline): Uncertain significance (1 of 4 stars; one submission).

Conditions:
Marfan syndrome (MFS). Also called: MARFAN SYNDROME, TYPE I; Marfan syndrome type 1; Marfan's syndrome; Marfan syndrome, classic; FBN1-Related Marfan Syndrome. Identifiers: Orphanet 284963, Orphanet 558, MedGen C0024796, MONDO:0007947, OMIM 154700.

Submission:

All of Us Research Program, National Institutes of Health
Classification: Uncertain significance for Marfan syndrome. Last evaluated: 2023-08-15. Review status: criteria provided, single submitter. Criteria: ACMG Guidelines, 2015. Collection method: clinical testing. Allele origin: germline. Inheritance: Autosomal dominant inheritance. Observed: 1 variant allele, 1 heterozygote.
Comment: This study involves interpretation of variants in research participants for the purpose of population health screening. Participant phenotype was not available at the time of variant classification. Additional details can be found in publication PMID: 35346344, PMCID: PMC8962531

NM_000138.5(FBN1):c.2993T>C (p.Met998Thr)

Gene: FBN1 (fibrillin 1; minus strand). Cytogenetic location: 15q21.1.
Variant type: single nucleotide variant.
Coding change: c.2993T>C on transcript NM_000138.5 (MANE Select); coding-DNA position 2993, T replaced by C.
Protein change: p.Met998Thr; replaces methionine 998 with threonine.
Molecular consequence: missense variant.
Genome position (GRCh38, 1-based): chr15:48,489,940, A>G on the plus strand (T>C on the coding strand, the complement: FBN1 is on the minus strand). VCF-style: chr15-48489940-A-G. GRCh37 (hg19) VCF-style: chr15-48782137-A-G.
Other names: c.2993T>C, p.Met998Thr (NM_001406716.1); short protein forms M998T.
Identifiers: ClinVar variation 3072638 (VCV003072638.1), dbSNP rs2505558015, ClinGen allele CA392329170.